The following is an entry in ClinVar:

ClinVar aggregate classification (germline): Uncertain significance (1 of 4 stars; one submission).

Submission:

Ambry Genetics
Classification: Uncertain significance. Last evaluated: 2025-04-20. Review status: criteria provided, single submitter. Criteria: Ambry Variant Classification Scheme 2023. Collection method: clinical testing. Allele origin: germline.
Comment: The p.L1378F variant (also known as c.4132C>T), located in coding exon 37 of the KIF1B gene, results from a C to T substitution at nucleotide position 4132. The leucine at codon 1378 is replaced by phenylalanine, an amino acid with highly similar properties. This amino acid position is conserved. In addition, the in silico prediction for this alteration is inconclusive. Based on the available evidence, the clinical significance of this variant remains unclear.

NM_001365951.3(KIF1B):c.4270C>T (p.Leu1424Phe)

Gene: KIF1B (kinesin family member 1B; plus strand). Cytogenetic location: 1p36.22.
Variant type: single nucleotide variant.
Coding change: c.4270C>T on transcript NM_001365951.3 (MANE Select); coding-DNA position 4270, C replaced by T.
Protein change: p.Leu1424Phe; replaces leucine 1424 with phenylalanine.
Molecular consequence: missense variant.
Genome position (GRCh38, 1-based): chr1:10,361,791, C>T. VCF-style: chr1-10361791-C-T. GRCh37 (hg19) VCF-style: chr1-10421849-C-T.
Other names: c.4270C>T, p.Leu1424Phe (NM_001365952.1); c.4132C>T, p.Leu1378Phe (NM_015074.3); short protein forms L1424F, L1378F.
Identifiers: ClinVar variation 4043118 (VCV004043118.1).